The following is an entry in ClinVar:

ClinVar aggregate classification (germline): Uncertain significance. Review status: criteria provided, multiple submitters, no conflicts (2 of 4 stars). 2 submissions from 2 submitters: Uncertain significance (2). Last evaluated 2022-10-24.

Conditions:
Trichohepatoenteric syndrome 2 (THES2). Identifiers: Orphanet 84064, MedGen C3281289, MONDO:0013818, OMIM 614602.

Allele frequency attached by ClinVar (database versions not stated): ExAC 0.00004; gnomAD 0.00004; gnomAD exomes 0.00004; TOPMed 0.00007; ESP Exome Variant Server 0.00012.
gnomAD v4.1: 54 of 1,612,950 alleles (0.0033%); highest among the groups gnomAD compares: Non-Finnish European, 0.0044%; no homozygotes.

Submissions (2):

Labcorp Genetics (formerly Invitae), Labcorp
Classification: Uncertain significance. Last evaluated: 2022-10-24. Review status: criteria provided, single submitter. Criteria: Invitae Variant Classification Sherloc (09022015). Collection method: clinical testing. Allele origin: germline.
Comment: This sequence change replaces proline, which is neutral and non-polar, with alanine, which is neutral and non-polar, at codon 922 of the SKIV2L protein (p.Pro922Ala). This variant is present in population databases (rs142436411, gnomAD 0.008%). This variant has not been reported in the literature in individuals affected with SKIV2L-related conditions. ClinVar contains an entry for this variant (Variation ID: 356343). Algorithms developed to predict the effect of missense changes on protein structure and function output the following: SIFT: "Tolerated"; PolyPhen-2: "Benign"; Align-GVGD: "Class C0". The alanine amino acid residue is found in multiple mammalian species, which suggests that this missense change does not adversely affect protein function. In summary, the available evidence is currently insufficient to determine the role of this variant in disease. Therefore, it has been classified as a Variant of Uncertain Significance.

Illumina Laboratory Services, Illumina
Classification: Uncertain significance for Trichohepatoenteric syndrome 2. Last evaluated: 2018-01-12. Review status: criteria provided, single submitter. Criteria: ICSL Variant Classification Criteria 13 December 2019. Collection method: clinical testing. Allele origin: germline.

NM_006929.5(SKIC2):c.2764C>G (p.Pro922Ala)

Gene: SKIC2 (SKI2 subunit of superkiller complex; plus strand). Cytogenetic location: 6p21.33.
Variant type: single nucleotide variant.
Coding change: c.2764C>G on transcript NM_006929.5 (MANE Select); coding-DNA position 2764, C replaced by G.
Protein change: p.Pro922Ala; replaces proline 922 with alanine.
Molecular consequence: missense variant.
Genome position (GRCh38, 1-based): chr6:31,967,988, C>G. VCF-style: chr6-31967988-C-G. GRCh37 (hg19) VCF-style: chr6-31935765-C-G.
Other names: short protein forms P922A.
Identifiers: ClinVar variation 356343 (VCV000356343.7), dbSNP rs142436411, ClinGen allele CA3729867.